The following is an entry in ClinVar:

NM_020928.2(ZSWIM6):c.2226A>G (p.Gln742=)

Gene: ZSWIM6 (zinc finger SWIM-type containing 6; plus strand). Cytogenetic location: 5q12.1.
Variant type: single nucleotide variant.
Coding change: c.2226A>G on transcript NM_020928.2 (MANE Select); coding-DNA position 2226, A replaced by G.
Protein change: p.Gln742=; no amino-acid change (glutamine 742 retained).
Molecular consequence: synonymous variant.
Genome position (GRCh38, 1-based): chr5:61,531,706, A>G. VCF-style: chr5-61531706-A-G. GRCh37 (hg19) VCF-style: chr5-60827533-A-G.
Identifiers: ClinVar variation 2174853 (VCV002174853.28), dbSNP rs970530172, ClinGen allele CA119663042.

ClinVar aggregate classification (germline): Likely benign. Review status: criteria provided, multiple submitters, no conflicts (2 of 4 stars). 2 submissions from 2 submitters: Likely benign (2). Last evaluated 2026-01-09.

Allele frequency attached by ClinVar (database versions not stated): gnomAD 0.00004; TOPMed 0.00006; gnomAD exomes 0.00008.
gnomAD v4.1: 120 of 1,551,550 alleles (0.0077%); highest among the groups gnomAD compares: Non-Finnish European, 0.0092%; no homozygotes.

Submissions (2):

Labcorp Genetics (formerly Invitae), Labcorp
Classification: Likely benign. Last evaluated: 2026-01-09. Review status: criteria provided, single submitter. Criteria: Invitae Variant Classification Sherloc (09022015). Collection method: clinical testing. Allele origin: germline.

CeGaT Center for Human Genetics Tuebingen
Classification: Likely benign. Last evaluated: 2025-09-01. Review status: criteria provided, single submitter. Criteria: CeGaT Center For Human Genetics Tuebingen Variant Classification Criteria Version 2. Collection method: clinical testing. Allele origin: germline. Affected: yes. Observed: 4 variant alleles.
Comment: ZSWIM6: BP4, BP7